The following is an entry in ClinVar:

ClinVar aggregate classification (germline): Uncertain significance. Review status: criteria provided, multiple submitters, no conflicts (2 of 4 stars). 3 submissions from 3 submitters: Uncertain significance (3). Last evaluated 2025-10-02.

Conditions:
Dihydropteridine reductase deficiency (HPABH4C). Also called: DHPR DEFICIENCY; HYPERPHENYLALANINEMIA, TETRAHYDROBIOPTERIN-DEFICIENT, DUE TO DHPR DEFICIENCY; BH4-Deficient Hyperphenylalaninemia C; Phenylketonuria II; QDPR DEFICIENCY; QUINOID DIHYDROPTERIDINE REDUCTASE DEFICIENCY. Identifiers: Orphanet 226, Orphanet 238583, MedGen C0268465, MONDO:0009862, OMIM 261630.

Allele frequency attached by ClinVar (database versions not stated): gnomAD 0.00003; TOPMed 0.00003; gnomAD exomes 0.00004 and 0.00006; ExAC 0.00007; ESP Exome Variant Server 0.00015.
gnomAD v4.1: 59 of 1,614,064 alleles (0.0037%); highest among the groups gnomAD compares: Non-Finnish European, 0.003%; no homozygotes.

Submissions (3):

Labcorp Genetics (formerly Invitae), Labcorp
Classification: Uncertain significance for Dihydropteridine reductase deficiency. Last evaluated: 2025-10-02. Review status: criteria provided, single submitter. Criteria: Invitae Variant Classification Sherloc (09022015). Collection method: clinical testing. Allele origin: germline.
Comment: This sequence change replaces histidine, which is basic and polar, with arginine, which is basic and polar, at codon 120 of the QDPR protein (p.His120Arg). This variant is present in population databases (rs148369556, gnomAD 0.03%). This variant has not been reported in the literature in individuals affected with QDPR-related conditions. ClinVar contains an entry for this variant (Variation ID: 863433). An algorithm developed to predict the effect of missense changes on protein structure and function (PolyPhen-2) suggests that this variant is likely to be disruptive. In summary, the available evidence is currently insufficient to determine the role of this variant in disease. Therefore, it has been classified as a Variant of Uncertain Significance.

Blueprint Genetics
Classification: Uncertain significance. Last evaluated: 2024-10-25. Review status: criteria provided, single submitter. Criteria: ACMG Guidelines, 2015. Collection method: clinical testing. Allele origin: germline.

Illumina Laboratory Services, Illumina
Classification: Uncertain significance for Dihydropteridine reductase deficiency. Last evaluated: 2018-01-13. Review status: criteria provided, single submitter. Criteria: ICSL Variant Classification Criteria 13 December 2019. Collection method: clinical testing. Allele origin: germline.

NM_000320.3(QDPR):c.359A>G (p.His120Arg)

Gene: QDPR (quinoid dihydropteridine reductase; minus strand). Cytogenetic location: 4p15.32.
Variant type: single nucleotide variant.
Coding change: c.359A>G on transcript NM_000320.3 (MANE Select); coding-DNA position 359, A replaced by G.
Protein change: p.His120Arg; replaces histidine 120 with arginine.
Molecular consequence: missense variant. On other transcripts: non-coding transcript variant (1).
Genome position (GRCh38, 1-based): chr4:17,501,796, T>C on the plus strand (A>G on the coding strand, the complement: QDPR is on the minus strand). VCF-style: chr4-17501796-T-C. GRCh37 (hg19) VCF-style: chr4-17503419-T-C.
Other names: c.266A>G, p.His89Arg (NM_001306140.2); short protein forms H89R, H120R.
Identifiers: ClinVar variation 863433 (VCV000863433.10), dbSNP rs148369556, ClinGen allele CA2868140.